The following is an entry in ClinVar:

ClinVar aggregate classification (germline): Conflicting classifications of pathogenicity. Review status: criteria provided, conflicting classifications (1 of 4 stars). 4 submissions from 4 submitters: Uncertain significance (3); Likely benign (1). Last evaluated 2025-09-27.

Conditions:
Intellectual disability, X-linked, with or without seizures, ARX-related. Also called: Mental retardation, X-linked 52; INTELLECTUAL DEVELOPMENTAL DISORDER, X-LINKED 29; MENTAL RETARDATION, X-LINKED 29; MENTAL RETARDATION, X-LINKED 32; MENTAL RETARDATION, X-LINKED 33; MENTAL RETARDATION, X-LINKED 38. Identifiers: Orphanet 777, MedGen C0796244, MONDO:0010317, OMIM 300419.
Developmental and epileptic encephalopathy, 1 (DEE1). Also called: X-linked infantile spasms; West's syndrome; Tonic spasms with clustering, arrest of psychomotor development and hypsarrhythmia on EEG; X-Linked Infantile Spasm Syndrome; Epileptic encephalopathy, early infantile, 1; INFANTILE SPASM SYNDROME, X-LINKED 1. Identifiers: MedGen C3463992, MONDO:0010632, OMIM 308350. Disease mechanism: loss of function.
Inborn genetic diseases. Identifiers: MedGen C0950123, MeSH D030342.
ARX-related disorder. Also called: ARX-Related Disorders; ARX-related condition. Identifiers: MedGen CN378769.

Allele frequency attached by ClinVar (database versions not stated): gnomAD exomes 0.00001 and 0.00004; ExAC 0.00004; gnomAD 0.00008 and 0.00009; TOPMed 0.00010; ESP Exome Variant Server 0.00020.
gnomAD v4.1: 24 of 1,188,655 alleles (0.002%); highest among the groups gnomAD compares: Middle Eastern, 0.03%; no homozygotes.

Submissions (4):

Labcorp Genetics (formerly Invitae), Labcorp
Classification: Uncertain significance for Developmental and epileptic encephalopathy, 1; Intellectual disability, X-linked, with or without seizures, ARX-related. Last evaluated: 2025-09-27. Review status: criteria provided, single submitter. Criteria: Invitae Variant Classification Sherloc (09022015). Collection method: clinical testing. Allele origin: germline.
Comment: This sequence change replaces valine, which is neutral and non-polar, with alanine, which is neutral and non-polar, at codon 274 of the ARX protein (p.Val274Ala). This variant is present in population databases (rs375289776, gnomAD 0.05%). This variant has not been reported in the literature in individuals affected with ARX-related conditions. ClinVar contains an entry for this variant (Variation ID: 1057574). Invitae Evidence Modeling of protein sequence and biophysical properties (such as structural, functional, and spatial information, amino acid conservation, physicochemical variation, residue mobility, and thermodynamic stability) indicates that this missense variant is not expected to disrupt ARX protein function with a negative predictive value of 80%. In summary, the available evidence is currently insufficient to determine the role of this variant in disease. Therefore, it has been classified as a Variant of Uncertain Significance.

Ambry Genetics
Classification: Likely benign for Inborn genetic diseases. Last evaluated: 2023-10-14. Review status: criteria provided, single submitter. Criteria: Ambry Variant Classification Scheme 2023. Collection method: clinical testing. Allele origin: germline.

PreventionGenetics, part of Exact Sciences
Classification: Uncertain significance for ARX-related condition. Last evaluated: 2022-11-17. Review status: criteria provided, single submitter. Criteria: ACMG Guidelines, 2015. Collection method: clinical testing. Allele origin: germline.
Comment: The ARX c.821T>C variant is predicted to result in the amino acid substitution p.Val274Ala. To our knowledge, this variant has not been reported in the literature. This variant is reported in 0.045% of alleles in individuals of African descent in gnomAD. At this time, the clinical significance of this variant is uncertain due to the absence of conclusive functional and genetic evidence.

Revvity Omics, Revvity
Classification: Uncertain significance. Last evaluated: 2022-06-21. Review status: criteria provided, single submitter. Criteria: ACMG Guidelines, 2015. Collection method: clinical testing. Allele origin: germline.

NM_139058.3(ARX):c.821T>C (p.Val274Ala)

Gene: ARX (aristaless related homeobox; minus strand). Cytogenetic location: Xp21.3.
Variant type: single nucleotide variant.
Coding change: c.821T>C on transcript NM_139058.3 (MANE Select); coding-DNA position 821, T replaced by C.
Protein change: p.Val274Ala; replaces valine 274 with alanine.
Molecular consequence: missense variant.
Genome position (GRCh38, 1-based): chrX:25,013,174, A>G on the plus strand (T>C on the coding strand, the complement: ARX is on the minus strand). VCF-style: chrX-25013174-A-G. GRCh37 (hg19) VCF-style: chrX-25031291-A-G.
Other names: c.821T>C (NM_139058.2); short protein forms V274A.
Identifiers: ClinVar variation 1057574 (VCV001057574.11), dbSNP rs375289776, ClinGen allele CA10373874.